The following is an entry in ClinVar:

ClinVar aggregate classification (germline): Pathogenic (1 of 4 stars; one submission).

Submission:

GeneDx
Classification: Pathogenic. Last evaluated: 2018-07-12. Review status: criteria provided, single submitter. Criteria: GeneDx Variant Classification (06012015). Collection method: clinical testing. Allele origin: germline. Affected: yes.
Comment: The c.14867delC variant in the KMT2D gene has not been reported previously as a pathogenic variant nor as a benign variant, to our knowledge. The c.14867delC variant causes a frameshift starting with codon Proline 4956, changes this amino acid to a Leucine residue, and creates a premature Stop codon at position 39 of the new reading frame, denoted p.Pro4956LeufsX39. This variant is predicted to cause loss of normal protein function either through protein truncation or nonsense-mediated mRNA decay. The c.14867delC variant is not observed in large population cohorts (Lek et al., 2016). We interpret c.14867delC as a pathogenic variant,

NM_003482.4(KMT2D):c.14867del (p.Pro4956fs)

Gene: KMT2D (lysine methyltransferase 2D; minus strand). Cytogenetic location: 12q13.12.
Variant type: Deletion.
Coding change: c.14867del on transcript NM_003482.4 (MANE Select); coding-DNA position 14867, one base deleted (C; older notation c.14867delC).
Protein change: p.Pro4956fs; shifts the reading frame from proline 4956.
Molecular consequence: frameshift variant.
Genome position (GRCh38, 1-based): chr12:49,027,099, G deleted on the plus strand (C on the coding strand, the reverse complement: KMT2D is on the minus strand); the first of 4 consecutive G bases (chr12:49,027,099-49,027,102); deleting any one gives the same sequence. VCF-style (leftmost placement, unchanged base first): chr12-49027098-AG-A. GRCh37 (hg19) VCF-style: chr12-49420881-AG-A.
Other names: short protein forms P4956fs.
Identifiers: ClinVar variation 817144 (VCV000817144.1), dbSNP rs1592106511, ClinGen allele CA915948270.